The following is an entry in ClinVar:

ClinVar aggregate classification (germline): Conflicting classifications of pathogenicity. Review status: criteria provided, conflicting classifications (1 of 4 stars). 2 submissions from 2 submitters: Uncertain significance (1); Likely benign (1). Last evaluated 2025-09-10.

Allele frequency attached by ClinVar (database versions not stated): gnomAD 0.00001; gnomAD exomes 0.00001; TOPMed 0.00005.
gnomAD v4.1: 9 of 1,209,574 alleles (0.00074%); highest among the groups gnomAD compares: Non-Finnish European, 0.001%; no homozygotes.

Submissions (2):

Ambry Genetics
Classification: Uncertain significance. Last evaluated: 2025-09-10. Review status: criteria provided, single submitter. Criteria: Ambry Variant Classification Scheme 2023. Collection method: clinical testing. Allele origin: germline.

GeneDx
Classification: Likely benign. Last evaluated: 2017-04-12. Review status: criteria provided, single submitter. Criteria: GeneDx Variant Classification (06012015). Collection method: clinical testing. Allele origin: germline. Affected: yes.
Comment: This variant is considered likely benign or benign based on one or more of the following criteria: it is a conservative change, it occurs at a poorly conserved position in the protein, it is predicted to be benign by multiple in silico algorithms, and/or has population frequency not consistent with disease.

NM_004840.3(ARHGEF6):c.1768A>C (p.Ser590Arg)

Gene: ARHGEF6 (Rac/Cdc42 guanine nucleotide exchange factor 6; minus strand). Cytogenetic location: Xq26.3.
Variant type: single nucleotide variant.
Coding change: c.1768A>C on transcript NM_004840.3 (MANE Select); coding-DNA position 1768, A replaced by C.
Protein change: p.Ser590Arg; replaces serine 590 with arginine.
Molecular consequence: missense variant.
Genome position (GRCh38, 1-based): chrX:136,679,597, T>G on the plus strand (A>C on the coding strand, the complement: ARHGEF6 is on the minus strand). VCF-style: chrX-136679597-T-G. GRCh37 (hg19) VCF-style: chrX-135761756-T-G.
Other names: c.1306A>C, p.Ser436Arg (NM_001306177.2); short protein forms S590R, S436R.
Identifiers: ClinVar variation 506651 (VCV000506651.2), dbSNP rs938254089, ClinGen allele CA336270663.